The following is an entry in ClinVar:

NM_001024630.4(RUNX2):c.1483G>A (p.Asp495Asn)

Gene: RUNX2 (RUNX family transcription factor 2; plus strand). Cytogenetic location: 6p21.1.
Variant type: single nucleotide variant.
Coding change: c.1483G>A on transcript NM_001024630.4 (MANE Select); coding-DNA position 1483, G replaced by A.
Protein change: p.Asp495Asn; replaces aspartic acid 495 with asparagine.
Molecular consequence: missense variant.
Genome position (GRCh38, 1-based): chr6:45,547,222, G>A. VCF-style: chr6-45547222-G-A. GRCh37 (hg19) VCF-style: chr6-45514959-G-A.
Other names: c.1417G>A, p.Asp473Asn (NM_001015051.4); c.1375G>A, p.Asp459Asn (NM_001278478.2); c.1441G>A, p.Asp481Asn (NM_001369405.1); short protein forms D481N, D459N, D495N, D473N.
Identifiers: ClinVar variation 4693409 (VCV004693409.1).
Genomic context (GRCh38, chr6:45,547,222, plus strand): 5'-ACCACCTCGAATGGCAGCACGCTATTAAATCCAAATTTGCCTAACCAGAATGATGGTGTT[G>A]ACGCTGATGGAAGCCACAGCAGTTCCCCAACTGTTTTGAATTCTAGTGGCAGAATGGATG-3'
Protein context (NP_001019801.3, residues 485-505): PNLPNQNDGV[Asp495Asn]ADGSHSSSPT

ClinVar aggregate classification (germline): Uncertain significance (1 of 4 stars; one submission).

gnomAD v4.1: 20 of 1,614,066 alleles (0.0012%); highest among the groups gnomAD compares: Admixed American, 0.0083%; no homozygotes.

Submission:

Labcorp Genetics (formerly Invitae), Labcorp
Classification: Uncertain significance. Last evaluated: 2026-01-11. Review status: criteria provided, single submitter. Criteria: Invitae Variant Classification Sherloc (09022015). Collection method: clinical testing. Allele origin: germline.
Comment: This sequence change replaces aspartic acid, which is acidic and polar, with asparagine, which is neutral and polar, at codon 495 of the RUNX2 protein (p.Asp495Asn). This variant is present in population databases (rs771087017, gnomAD 0.003%). This variant has not been reported in the literature in individuals affected with RUNX2-related conditions. Invitae Evidence Modeling of protein sequence and biophysical properties (such as structural, functional, and spatial information, amino acid conservation, physicochemical variation, residue mobility, and thermodynamic stability) indicates that this missense variant is not expected to disrupt RUNX2 protein function with a negative predictive value of 80%. In summary, the available evidence is currently insufficient to determine the role of this variant in disease. Therefore, it has been classified as a Variant of Uncertain Significance.